The following is an entry in ClinVar:

ClinVar aggregate classification (germline): Uncertain significance (1 of 4 stars; one submission).

Submission:

Labcorp Genetics (formerly Invitae), Labcorp
Classification: Uncertain significance. Last evaluated: 2024-01-13. Review status: criteria provided, single submitter. Criteria: Invitae Variant Classification Sherloc (09022015). Collection method: clinical testing. Allele origin: germline.
Comment: This sequence change replaces serine, which is neutral and polar, with asparagine, which is neutral and polar, at codon 419 of the ALPK3 protein (p.Ser419Asn). This variant is not present in population databases (gnomAD no frequency). This variant has not been reported in the literature in individuals affected with ALPK3-related conditions. An algorithm developed to predict the effect of missense changes on protein structure and function (PolyPhen-2) suggests that this variant is likely to be disruptive. In summary, the available evidence is currently insufficient to determine the role of this variant in disease. Therefore, it has been classified as a Variant of Uncertain Significance.

NM_020778.5(ALPK3):c.650G>A (p.Ser217Asn)

Gene: ALPK3 (alpha kinase 3; plus strand). Cytogenetic location: 15q25.3.
Variant type: single nucleotide variant.
Coding change: c.650G>A on transcript NM_020778.5 (MANE Select); coding-DNA position 650, G replaced by A.
Protein change: p.Ser217Asn; replaces serine 217 with asparagine.
Molecular consequence: missense variant.
Genome position (GRCh38, 1-based): chr15:84,839,929, G>A. VCF-style: chr15-84839929-G-A. GRCh37 (hg19) VCF-style: chr15-85383160-G-A.
Other names: short protein forms S217N.
Identifiers: ClinVar variation 2787536 (VCV002787536.3), dbSNP rs2505705193, ClinGen allele CA393373227.